The following is an entry in ClinVar:

ClinVar aggregate classification (germline): Likely pathogenic. Review status: reviewed by expert panel (3 of 4 stars). 2 submissions from 2 submitters: Likely pathogenic (1). 1 of the submissions does not count toward it. Last evaluated 2024-07-08.

Conditions:
Alpha-actinopathy. Also called: Actinopathy. Identifiers: MedGen CN295279, MONDO:0100084.
Actin accumulation myopathy (CMYO2A). Also called: Myopathy, actin, congenital, with excess of thin myofilaments; Myopathy, actin, congenital, with cores; Nemaline myopathy 3, with intranuclear rods; CONGENITAL MYOPATHY 2A, TYPICAL, AUTOSOMAL DOMINANT; Nemaline myopathy type 3. Identifiers: Orphanet 98904, MedGen C3711389, MONDO:0008070, OMIM 161800.

Submissions (2):

ClinGen Congenital Myopathies Variant Curation Expert Panel, ClinGen
Classification: Likely pathogenic for Alpha-actinopathy. Last evaluated: 2024-07-08. Review status: reviewed by expert panel. Criteria: ClinGen CongenMyopathy ACMG Specifications ACTA1_AD_ V2.0.0. Collection method: curation. Allele origin: germline. Inheritance: Autosomal dominant inheritance.
Comment: The c.1007A>C (NM_001100.4(ACTA1):c.1007A>C (p.Glu336Ala)) variant in ACTA1 is a missense variant predicted to cause substitution of glutamate by alanine at amino acid 336 (p.Glu336Ala). This variant is absent from gnomAD v4.1.0 (PM2_Supporting). ACTA1, in which the variant was identified, is defined by the ClinGen Congenital Myopathies VCEP as a gene that has a low rate of benign missense variation and where pathogenic missense variants are a common mechanism of disease (PP2). The computational predictor REVEL gives a score of 0.874, which is above the threshold of 0.7, evidence that correlates with impact to ACTA1 function (PP3). At least one patient with this variant displayed cores and fiber type disproportion on muscle biopsy, which is highly specific for actin accumulation myopathy (PP4_Moderate, PMID: 15520409). This variant has been reported in 5 individuals from one family with muscle weakness (PP1_Moderate; PMID: 15520409). In summary, this variant meets the criteria to be classified as likely pathogenic for autosomal dominant alpha-actinopathy based on the ACMG/AMP criteria applied, as specified by the ClinGen Congenital Myopathies VCEP: PM2_Supporting, PP2, PP3, PP4_Moderate, PP1_Moderate (Congenital Myopathies VCEP Specifications Version 2.0; July 8, 2024).

OMIM
Classification: Pathogenic for CONGENITAL MYOPATHY 2A, TYPICAL, AUTOSOMAL DOMINANT. Last evaluated: 2004-11-01. Review status: no assertion criteria provided. Collection method: literature only. Allele origin: germline. Not counted in ClinVar's aggregate classification.

Literature cited by the submitters: PubMed 15520409 (cited by OMIM).

NM_001100.4(ACTA1):c.1007A>C (p.Glu336Ala)

Gene: ACTA1 (actin alpha 1, skeletal muscle; minus strand). Cytogenetic location: 1q42.13.
Variant type: single nucleotide variant.
Coding change: c.1007A>C on transcript NM_001100.4 (MANE Select); coding-DNA position 1007, A replaced by C.
Protein change: p.Glu336Ala; replaces glutamic acid 336 with alanine.
Molecular consequence: missense variant.
Genome position (GRCh38, 1-based): chr1:229,431,626, T>G on the plus strand (A>C on the coding strand, the complement: ACTA1 is on the minus strand). VCF-style: chr1-229431626-T-G. GRCh37 (hg19) VCF-style: chr1-229567373-T-G.
Other names: E334A; NM_001100.4(ACTA1):c.1007A>C; short protein forms E336A.
Identifiers: ClinVar variation 18288 (VCV000018288.5), dbSNP rs121909528, ClinGen allele CA128033.